The following is an entry in ClinVar:

NM_002454.3(MTRR):c.1883A>G (p.Asn628Ser)

Gene: MTRR (5-methyltetrahydrofolate-homocysteine methyltransferase reductase; plus strand). Cytogenetic location: 5p15.31.
Variant type: single nucleotide variant.
Coding change: c.1883A>G on transcript NM_002454.3 (MANE Select); coding-DNA position 1883, A replaced by G.
Protein change: p.Asn628Ser; replaces asparagine 628 with serine.
Molecular consequence: missense variant. On other transcripts: non-coding transcript variant (14).
Genome position (GRCh38, 1-based): chr5:7,897,178, A>G. VCF-style: chr5-7897178-A-G. GRCh37 (hg19) VCF-style: chr5-7897291-A-G.
Other names: c.1883A>G (NM_002454.2); c.1883A>G, p.Asn628Ser (NM_001364440.2, NM_001364441.2, NM_001364442.2 and 1 more transcripts); short protein forms N628S.
Identifiers: ClinVar variation 1358254 (VCV001358254.6), dbSNP rs144020429, ClinGen allele CA3196093.

ClinVar aggregate classification (germline): Uncertain significance. Review status: criteria provided, multiple submitters, no conflicts (2 of 4 stars). 2 submissions from 2 submitters: Uncertain significance (2). Last evaluated 2025-08-31.

Conditions:
Methylcobalamin deficiency type cblE (HMAE). Also called: HOMOCYSTINURIA-MEGALOBLASTIC ANEMIA, cblE COMPLEMENTATION TYPE; HOMOCYSTINURIA-MEGALOBLASTIC ANEMIA, cblE TYPE; VITAMIN B12-RESPONSIVE HOMOCYSTINURIA, cblE TYPE. Identifiers: Orphanet 2169, Orphanet 622, MedGen C1856057, MONDO:0009354, OMIM 236270.
Inborn genetic diseases. Identifiers: MedGen C0950123, MeSH D030342.

Allele frequency attached by ClinVar (database versions not stated): gnomAD exomes below 0.00001 and 0.00001; ExAC 0.00001; gnomAD 0.00001; TOPMed 0.00002; ESP Exome Variant Server 0.00008.
gnomAD v4.1: 13 of 1,614,050 alleles (0.00081%); highest among the groups gnomAD compares: African/African-American, 0.0013%; no homozygotes.

Submissions (2):

Ambry Genetics
Classification: Uncertain significance for Inborn genetic diseases. Last evaluated: 2025-08-31. Review status: criteria provided, single submitter. Criteria: Ambry Variant Classification Scheme 2023. Collection method: clinical testing. Allele origin: germline.

Labcorp Genetics (formerly Invitae), Labcorp
Classification: Uncertain significance for Methylcobalamin deficiency type cblE. Last evaluated: 2021-09-02. Review status: criteria provided, single submitter. Criteria: Invitae Variant Classification Sherloc (09022015). Collection method: clinical testing. Allele origin: germline.
Comment: This sequence change replaces asparagine with serine at codon 628 of the MTRR protein (p.Asn628Ser). The asparagine residue is weakly conserved and there is a small physicochemical difference between asparagine and serine. The frequency data for this variant in the population databases is considered unreliable, as metrics indicate poor data quality at this position in the ExAC database. This variant has not been reported in the literature in individuals affected with MTRR-related conditions. Algorithms developed to predict the effect of missense changes on protein structure and function output the following: SIFT: "Tolerated"; PolyPhen-2: "Benign"; Align-GVGD: "Class C0". The serine amino acid residue is found in multiple mammalian species, which suggests that this missense change does not adversely affect protein function. In summary, the available evidence is currently insufficient to determine the role of this variant in disease. Therefore, it has been classified as a Variant of Uncertain Significance.